The following is an entry in ClinVar:

NM_000038.6(APC):c.7415C>G (p.Ala2472Gly)

Gene: APC (APC regulator of Wnt signaling pathway; plus strand). Cytogenetic location: 5q22.2.
Variant type: single nucleotide variant.
Coding change: c.7415C>G on transcript NM_000038.6 (MANE Select); coding-DNA position 7415, C replaced by G.
Protein change: p.Ala2472Gly; replaces alanine 2472 with glycine.
Molecular consequence: missense variant.
Genome position (GRCh38, 1-based): chr5:112,843,009, C>G. VCF-style: chr5-112843009-C-G. GRCh37 (hg19) VCF-style: chr5-112178706-C-G.
Other names: c.7415C>G, p.Ala2472Gly (NM_001127510.3, NM_001354895.2); c.7361C>G, p.Ala2454Gly (NM_001127511.3); c.7469C>G, p.Ala2490Gly (NM_001354896.2); c.7445C>G, p.Ala2482Gly (NM_001354897.2); c.7340C>G, p.Ala2447Gly (NM_001354898.2); c.7331C>G, p.Ala2444Gly (NM_001354899.2); c.7292C>G, p.Ala2431Gly (NM_001354900.2); c.7238C>G, p.Ala2413Gly (NM_001354901.2); and 5 more; short protein forms A2189G, A2381G, A2413G, A2447G, A2371G, A2346G, A2444G, A2454G.
Identifiers: ClinVar variation 849180 (VCV000849180.13), dbSNP rs200399245, ClinGen allele CA16037471.

ClinVar aggregate classification (germline): Uncertain significance. Review status: criteria provided, multiple submitters, no conflicts (2 of 4 stars). 4 submissions from 4 submitters: Uncertain significance (4). Last evaluated 2025-06-12.

Conditions:
Familial adenomatous polyposis 1 (FAP1). Also called: FAMILIAL ADENOMATOUS POLYPOSIS 1, ATTENUATED; POLYPOSIS, ADENOMATOUS INTESTINAL. Identifiers: MedGen C2713442, MONDO:0021056, OMIM 175100. Disease mechanism: loss of function.
Hereditary cancer-predisposing syndrome. Also called: Tumor predisposition; Neoplastic Syndromes, Hereditary; Hereditary neoplastic syndrome; Hereditary Cancer Syndrome. Identifiers: Orphanet 140162, MedGen C0027672, MeSH D009386, MONDO:0015356.

gnomAD v4.1: 2 of 1,613,920 alleles (0.00012%); highest among the groups gnomAD compares: Non-Finnish European, 0.00017%; no homozygotes.

Submissions (4):

Color Diagnostics, LLC DBA Color Health
Classification: Uncertain significance for Hereditary cancer-predisposing syndrome. Last evaluated: 2025-06-12. Review status: criteria provided, single submitter. Criteria: ACMG Guidelines, 2015. Collection method: clinical testing. Allele origin: germline.
Comment: This missense variant replaces alanine with glycine at codon 2472 of the APC protein. Computational prediction suggests that this variant may not impact protein structure and function. To our knowledge, functional studies have not been reported for this variant. This variant has not been reported in individuals affected with APC-related disorders in the literature. This variant has not been identified in the general population by the Genome Aggregation Database (gnomAD). The available evidence is insufficient to determine the role of this variant in disease conclusively. Therefore, this variant is classified as a Variant of Uncertain Significance.

Labcorp Genetics (formerly Invitae), Labcorp
Classification: Uncertain significance for Familial adenomatous polyposis 1. Last evaluated: 2025-05-14. Review status: criteria provided, single submitter. Criteria: Invitae Variant Classification Sherloc (09022015). Collection method: clinical testing. Allele origin: germline.
Comment: This sequence change replaces alanine, which is neutral and non-polar, with glycine, which is neutral and non-polar, at codon 2472 of the APC protein (p.Ala2472Gly). This variant is not present in population databases (gnomAD no frequency). This variant has not been reported in the literature in individuals affected with APC-related conditions. ClinVar contains an entry for this variant (Variation ID: 849180). Invitae Evidence Modeling of protein sequence and biophysical properties (such as structural, functional, and spatial information, amino acid conservation, physicochemical variation, residue mobility, and thermodynamic stability) indicates that this missense variant is not expected to disrupt APC protein function with a negative predictive value of 95%. In summary, the available evidence is currently insufficient to determine the role of this variant in disease. Therefore, it has been classified as a Variant of Uncertain Significance.

Baylor Genetics
Classification: Uncertain significance for Familial adenomatous polyposis 1. Last evaluated: 2024-03-12. Review status: criteria provided, single submitter. Criteria: ACMG Guidelines, 2015. Collection method: clinical testing. Allele origin: unknown.

Ambry Genetics
Classification: Uncertain significance for Hereditary cancer-predisposing syndrome. Last evaluated: 2023-06-29. Review status: criteria provided, single submitter. Criteria: Ambry Variant Classification Scheme 2023. Collection method: clinical testing. Allele origin: germline.
Comment: The p.A2472G variant (also known as c.7415C>G), located in coding exon 15 of the APC gene, results from a C to G substitution at nucleotide position 7415. The alanine at codon 2472 is replaced by glycine, an amino acid with similar properties. This amino acid position is poorly conserved in available vertebrate species. In addition, in silico predictors for this gene do not accurately predict pathogenicity. Since supporting evidence is limited at this time, the clinical significance of this alteration remains unclear.